The following is an entry in ClinVar:

NM_015215.4(CAMTA1):c.2239G>A (p.Val747Met)

Gene: CAMTA1 (calmodulin binding transcription activator 1; plus strand). Cytogenetic location: 1p36.23.
Variant type: single nucleotide variant.
Coding change: c.2239G>A on transcript NM_015215.4 (MANE Select); coding-DNA position 2239, G replaced by A.
Protein change: p.Val747Met; replaces valine 747 with methionine.
Molecular consequence: missense variant.
Genome position (GRCh38, 1-based): chr1:7,664,786, G>A. VCF-style: chr1-7664786-G-A. GRCh37 (hg19) VCF-style: chr1-7724846-G-A.
Other names: c.2149G>A, p.Val717Met (NM_001349608.2, NM_001349612.2); c.2239G>A, p.Val747Met (NM_001349609.2, NM_001349610.2, NM_001410737.1); c.2167G>A, p.Val723Met (NM_001410738.1); short protein forms V723M, V747M, V717M.
Identifiers: ClinVar variation 2904967 (VCV002904967.3), dbSNP rs368952127, ClinGen allele CA566602.

ClinVar aggregate classification (germline): Uncertain significance (1 of 4 stars; one submission).

Allele frequency attached by ClinVar (database versions not stated): ExAC 0.00001; gnomAD exomes 0.00001; gnomAD 0.00005; TOPMed 0.00006; ESP Exome Variant Server 0.00008; 1000 Genomes Project 30x 0.00016; 1000 Genomes Project 0.00020.
gnomAD v4.1: 18 of 1,612,536 alleles (0.0011%); highest among the groups gnomAD compares: African/African-American, 0.012%; no homozygotes.

Submission:

Labcorp Genetics (formerly Invitae), Labcorp
Classification: Uncertain significance. Last evaluated: 2023-02-08. Review status: criteria provided, single submitter. Criteria: Invitae Variant Classification Sherloc (09022015). Collection method: clinical testing. Allele origin: germline.
Comment: In summary, the available evidence is currently insufficient to determine the role of this variant in disease. Therefore, it has been classified as a Variant of Uncertain Significance. Algorithms developed to predict the effect of missense changes on protein structure and function are either unavailable or do not agree on the potential impact of this missense change (SIFT: "Tolerated"; PolyPhen-2: "Probably Damaging"; Align-GVGD: "Class C0"). This variant has not been reported in the literature in individuals affected with CAMTA1-related conditions. This variant is present in population databases (rs368952127, gnomAD 0.01%). This sequence change replaces valine, which is neutral and non-polar, with methionine, which is neutral and non-polar, at codon 747 of the CAMTA1 protein (p.Val747Met).